The following is an entry in ClinVar:

NM_000532.5(PCCB):c.1499-1G>C

Gene: PCCB (propionyl-CoA carboxylase subunit beta; plus strand). Cytogenetic location: 3q22.3.
Variant type: single nucleotide variant.
Coding change: c.1499-1G>C on transcript NM_000532.5 (MANE Select); the canonical splice acceptor site of the intron before coding-DNA position 1499, G replaced by C.
Molecular consequence: splice acceptor variant.
Genome position (GRCh38, 1-based): chr3:136,329,904, G>C. VCF-style: chr3-136329904-G-C. GRCh37 (hg19) VCF-style: chr3-136048746-G-C.
Other names: c.1559-1G>C (NM_001178014.2).
Identifiers: ClinVar variation 928531 (VCV000928531.4), dbSNP rs1935478339, ClinGen allele CA354649894.

ClinVar aggregate classification (germline): Pathogenic/Likely pathogenic. Review status: criteria provided, multiple submitters, no conflicts (2 of 4 stars). 3 submissions from 3 submitters: Pathogenic (1); Likely pathogenic (2). Last evaluated 2024-10-21.

Conditions:
Inborn genetic diseases. Identifiers: MedGen C0950123, MeSH D030342.
Propionic acidemia (PROP). Also called: GLYCINEMIA, KETOTIC; HYPERGLYCINEMIA WITH KETOACIDOSIS AND LEUKOPENIA; KETOTIC HYPERGLYCINEMIA. Identifiers: Orphanet 35, MedGen C0268579, MONDO:0011628, OMIM 606054, HP:0003571.

Allele frequency attached by ClinVar (database versions not stated): gnomAD exomes below 0.00001.
gnomAD v4.1: 1 of 1,614,126 alleles (0.000062%); highest among the groups gnomAD compares: Non-Finnish European, 0.000085%; no homozygotes.

Submissions (3):

Natera, Inc.
Classification: Likely pathogenic for Propionic acidemia. Last evaluated: 2024-10-21. Review status: criteria provided, single submitter. Criteria: Natera Variant Classification Schema (03/2026). Collection method: clinical testing. Allele origin: germline.
Comment: The c.1499-1G>C variant in PCCB is a canonical splice acceptor site variant predicted to affect pre-mRNA splicing, which may result in an abnormal transcript and altered protein product. This variant may result in a truncated or dysfunctional protein product. This variant is rare in the general population with a frequency below the threshold expected for the associated phenotype(s). This variant has been observed in one or more individuals affected with the associated recessive disease, as either homozygous or compound heterozygous with a second variant (PMID: 12559849). Given the available evidence, this variant is classified as Likely Pathogenic.

Ambry Genetics
Classification: Likely pathogenic for Inborn genetic diseases. Last evaluated: 2024-08-14. Review status: criteria provided, single submitter. Criteria: Ambry Variant Classification Scheme 2023. Collection method: clinical testing. Allele origin: germline.
Comment: The c.1499-1G>C intronic variant results from a G to C substitution one nucleotide before coding exon 15 of the PCCB gene. This alteration occurs at the 3' terminus of the PCCB gene, is not expected to trigger nonsense-mediated mRNA decay, and impacts the last 7% of the protein. The exact functional effect of this alteration is unknown; however, the impacted region is critical for protein function and a significant portion of the protein is affected (Ambry internal data). This variant was not reported in population-based cohorts in the Genome Aggregation Database (gnomAD). Functional analysis of patient fibroblasts was performed but details are limited (P&eacute;rez, 2003). This nucleotide position is highly conserved in available vertebrate species. In silico splice site analysis predicts that this alteration will weaken the native splice acceptor site. Based on the available evidence, this alteration is classified as likely pathogenic.

Women's Health and Genetics/Laboratory Corporation of America, LabCorp
Classification: Pathogenic for Propionic acidemia. Last evaluated: 2021-05-09. Review status: criteria provided, single submitter. Criteria: LabCorp Variant Classification Summary - May 2015. Collection method: clinical testing. Allele origin: germline.
Comment: Variant summary: PCCB c.1499-1G>C is located in a canonical splice-site and is predicted to affect mRNA splicing resulting in a significantly altered protein due to either exon skipping, shortening, or inclusion of intronic material. Several computational tools predict a significant impact on normal splicing: Four predict the variant abolishes the canonical 3' splice acceptor site (ACMG PVS1 and PP3). However, these predictions have yet to be confirmed by functional studies. The variant was absent in 251110 control chromosomes (ACMG PM2). c.1499-1G>C has been reported in the literature in at-least one individual affected with early onset Propionic Acidemia type B (PCCB) who was reportedly compound heterozygous for c.562G>A, p.G188R in the PCCB gene (ACMG PM3) (example, Perez_2003). To our knowledge, no experimental evidence demonstrating an impact on protein function has been reported. No other clinical diagnostic laboratories have submitted clinical-significance assessments for this variant to ClinVar after 2014. Based on the evidence outlined above, the variant was classified as pathogenic.

Literature cited by the submitters: PubMed 12559849 (cited by 3 submitters); PubMed 15464417 (cited by Women's Health and Genetics/Laboratory Corporation of America, LabCorp).